The following is an entry in ClinVar:

NM_000020.3(ACVRL1):c.1468C>G (p.Gln490Glu)

Gene: ACVRL1 (activin A receptor like type 1; plus strand). Cytogenetic location: 12q13.13.
Variant type: single nucleotide variant.
Coding change: c.1468C>G on transcript NM_000020.3 (MANE Select); coding-DNA position 1468, C replaced by G.
Protein change: p.Gln490Glu; replaces glutamine 490 with glutamic acid.
Molecular consequence: missense variant.
Genome position (GRCh38, 1-based): chr12:51,920,849, C>G. VCF-style: chr12-51920849-C-G. GRCh37 (hg19) VCF-style: chr12-52314633-C-G.
Other names: p.Gln490Glu; c.1468C>G, p.Gln490Glu (NM_001077401.2, NM_001406487.1); c.1312C>G, p.Gln438Glu (NM_001406490.1); c.1156C>G, p.Gln386Glu (NM_001406491.1, NM_001406492.1); c.958C>G, p.Gln320Glu (NM_001406494.1); c.904C>G, p.Gln302Glu (NM_001406495.1); short protein forms Q302E, Q320E, Q386E, Q438E, Q490E.
Identifiers: ClinVar variation 3380106 (VCV003380106.1).

ClinVar aggregate classification (germline): Uncertain significance (1 of 4 stars; one submission).

Submission:

Mayo Clinic Laboratories, Mayo Clinic
Classification: Uncertain significance. Last evaluated: 2023-11-22. Review status: criteria provided, single submitter. Criteria: ACMG Guidelines, 2015. Collection method: clinical testing. Allele origin: germline. Observed: 1 variant allele.
Comment: BP4, PM2